The following is an entry in ClinVar:

ClinVar aggregate classification (germline): Uncertain significance. Review status: criteria provided, multiple submitters, no conflicts (2 of 4 stars). 2 submissions from 2 submitters: Uncertain significance (2). Last evaluated 2023-01-26.

Conditions:
Inborn genetic diseases. Identifiers: MedGen C0950123, MeSH D030342.
Benign neonatal seizures. Also called: Benign familial neonatal seizures; Benign familial neonatal epilepsy; Convulsions benign familial neonatal dominant form; Autosomal dominant form of benign neonatal seizures; Benign neonatal familial convulsions. Identifiers: Orphanet 1949, MedGen C0220669, MONDO:0016027.

Submissions (2):

Labcorp Genetics (formerly Invitae), Labcorp
Classification: Uncertain significance for Benign neonatal seizures. Last evaluated: 2023-01-26. Review status: criteria provided, single submitter. Criteria: Invitae Variant Classification Sherloc (09022015). Collection method: clinical testing. Allele origin: germline.
Comment: In summary, the available evidence is currently insufficient to determine the role of this variant in disease. Therefore, it has been classified as a Variant of Uncertain Significance. Advanced modeling of protein sequence and biophysical properties (such as structural, functional, and spatial information, amino acid conservation, physicochemical variation, residue mobility, and thermodynamic stability) performed at Invitae indicates that this missense variant is expected to disrupt KCNQ3 protein function. ClinVar contains an entry for this variant (Variation ID: 1732443). This variant has not been reported in the literature in individuals affected with KCNQ3-related conditions. This variant is not present in population databases (gnomAD no frequency). This sequence change replaces proline, which is neutral and non-polar, with arginine, which is basic and polar, at codon 118 of the KCNQ3 protein (p.Pro118Arg).

Ambry Genetics
Classification: Uncertain significance for Inborn genetic diseases. Last evaluated: 2018-04-26. Review status: criteria provided, single submitter. Criteria: Ambry Variant Classification Scheme 2023. Collection method: clinical testing. Allele origin: germline.
Comment: The p.P118R variant (also known as c.353C>G), located in coding exon 1 of the KCNQ3 gene, results from a C to G substitution at nucleotide position 353. The proline at codon 118 is replaced by arginine, an amino acid with dissimilar properties. This amino acid position is highly conserved in available vertebrate species. In addition, this alteration is predicted to be deleterious by in silico analysis. Since supporting evidence is limited at this time, the clinical significance of this alteration remains unclear.

NM_004519.4(KCNQ3):c.353C>G (p.Pro118Arg)

Gene: KCNQ3 (potassium voltage-gated channel subfamily Q member 3; minus strand). Cytogenetic location: 8q24.22.
Variant type: single nucleotide variant.
Coding change: c.353C>G on transcript NM_004519.4 (MANE Select); coding-DNA position 353, C replaced by G.
Protein change: p.Pro118Arg; replaces proline 118 with arginine.
Molecular consequence: missense variant.
Genome position (GRCh38, 1-based): chr8:132,480,180, G>C on the plus strand (C>G on the coding strand, the complement: KCNQ3 is on the minus strand). VCF-style: chr8-132480180-G-C. GRCh37 (hg19) VCF-style: chr8-133492427-G-C.
Other names: short protein forms P118R.
Identifiers: ClinVar variation 1732443 (VCV001732443.5), dbSNP rs1822515868, ClinGen allele CA372292381.